The following is an entry in ClinVar:

NM_024529.5(CDC73):c.512+6A>G

Gene: CDC73 (cell division cycle 73; plus strand). Cytogenetic location: 1q31.2.
Variant type: single nucleotide variant.
Coding change: c.512+6A>G on transcript NM_024529.5 (MANE Select); 6 bases into the intron after coding-DNA position 512, A replaced by G.
Molecular consequence: intron variant.
Genome position (GRCh38, 1-based): chr1:193,138,179, A>G. VCF-style: chr1-193138179-A-G. GRCh37 (hg19) VCF-style: chr1-193107309-A-G.
Identifiers: ClinVar variation 1936622 (VCV001936622.5), dbSNP rs1216367951, ClinGen allele CA1216120500.
Genomic context (GRCh38, chr1:193,138,179, plus strand): 5'-TGGCTGCCCGTTTGGAGGGTCACAAAGAAGGGATTGTACAGACTGAACAGATTAGGTAAG[A>G]ATTCTTTTTAAGTAGAAAGTAGGTAGTTTAGATATATGTAAAAGTATAAGGAAAAGGAAT-3'

ClinVar aggregate classification (germline): Uncertain significance (1 of 4 stars; one submission).

Conditions:
Parathyroid carcinoma (PRTC). Also called: CDC73-Related Parathyroid Carcinoma; Parathyroid gland carcinoma. Identifiers: Orphanet 143, MedGen C0687150, MONDO:0012004, OMIM 608266, HP:0006780.

gnomAD v4.1: 2 of 1,579,400 alleles (0.00013%); highest among the groups gnomAD compares: Non-Finnish European, 0.00017%; no homozygotes.

Submission:

Labcorp Genetics (formerly Invitae), Labcorp
Classification: Uncertain significance for Parathyroid carcinoma. Last evaluated: 2023-11-10. Review status: criteria provided, single submitter. Criteria: Invitae Variant Classification Sherloc (09022015). Collection method: clinical testing. Allele origin: germline.
Comment: This sequence change falls in intron 6 of the CDC73 gene. It does not directly change the encoded amino acid sequence of the CDC73 protein. It affects a nucleotide within the consensus splice site. This variant is not present in population databases (gnomAD no frequency). This variant has not been reported in the literature in individuals affected with CDC73-related conditions. ClinVar contains an entry for this variant (Variation ID: 1936622). Variants that disrupt the consensus splice site are a relatively common cause of aberrant splicing (PMID: 17576681, 9536098). Algorithms developed to predict the effect of sequence changes on RNA splicing suggest that this variant is not likely to affect RNA splicing. In summary, the available evidence is currently insufficient to determine the role of this variant in disease. Therefore, it has been classified as a Variant of Uncertain Significance.

Literature cited by the submitters: PubMed 17576681; PubMed 9536098.